The following is an entry in ClinVar:

ClinVar aggregate classification (germline): Uncertain significance (1 of 4 stars; one submission).

Conditions:
Aniridia 1 (AN1). Identifiers: Orphanet 250923, MedGen C0344542, MONDO:0024507, OMIM 106210.
Irido-corneo-trabecular dysgenesis (ASGD5). Also called: ANTERIOR SEGMENT DYSGENESIS 5. Identifiers: Orphanet 708, MedGen C0344559, MONDO:0011414, OMIM 604229, HP:0000659.

Submission:

Labcorp Genetics (formerly Invitae), Labcorp
Classification: Uncertain significance for Aniridia 1; Irido-corneo-trabecular dysgenesis. Last evaluated: 2021-02-11. Review status: criteria provided, single submitter. Criteria: Invitae Variant Classification Sherloc (09022015). Collection method: clinical testing. Allele origin: germline.
Comment: This sequence change falls in intron 5 of the PAX6 gene. It does not directly change the encoded amino acid sequence of the PAX6 protein. It affects a nucleotide within the consensus splice site of the intron. In summary, the available evidence is currently insufficient to determine the role of this variant in disease. Therefore, it has been classified as a Variant of Uncertain Significance. Nucleotide substitutions within the consensus splice site are a relatively common cause of aberrant splicing (PMID: 17576681, 9536098). Algorithms developed to predict the effect of sequence changes on RNA splicing suggest that this variant may create or strengthen a splice site, but this prediction has not been confirmed by published transcriptional studies. This variant has not been reported in the literature in individuals with PAX6-related conditions. This variant is not present in population databases (ExAC no frequency).

Literature cited by the submitters: PubMed 17576681; PubMed 9536098.

NM_001368894.2(PAX6):c.184-3C>T

Gene: PAX6 (paired box 6; minus strand). Cytogenetic location: 11p13.
Variant type: single nucleotide variant.
Coding change: c.184-3C>T on transcript NM_001368894.2 (MANE Select); 3 bases into the intron before coding-DNA position 184, C replaced by T.
Molecular consequence: intron variant.
Genome position (GRCh38, 1-based): chr11:31,801,779, G>A on the plus strand (C>T on the coding strand, the complement: PAX6 is on the minus strand). VCF-style: chr11-31801779-G-A. GRCh37 (hg19) VCF-style: chr11-31823327-G-A.
Other names: c.142-3C>T (NM_001127612.3, NM_001368890.2, NM_001368888.2 and 11 more transcripts); c.184-3C>T (NM_001368921.2, NM_001368923.2, NM_001258462.3 and 13 more transcripts); c.259-3C>T (NM_001368919.2, NM_001368918.2); c.385-3C>T (NM_001368910.2); c.-267-3C>T (NM_001368909.2, NM_001368904.2, NM_001368906.2 and 8 more transcripts); c.187-3C>T (NM_001368911.2); c.-598-3C>T (NM_001368905.2, NM_001310160.2, NM_001368902.2); c.217-3C>T (NM_001368920.2).
Identifiers: ClinVar variation 1371164 (VCV001371164.6), dbSNP rs2135101861, ClinGen allele CA2573146191.
Genomic context (GRCh38, chr11:31,801,779, plus strand): 5'-TGATGGAGCCAGTCTCGTAATACCTGCCCAGAATTTTACTCACACATCCGTTGGACACCT[G>A]CATAGGGGAAGTGGACAGAAAACCACATTATTAATAATTTCAAGACAAAAATAAAATTGT-3'